The following is an entry in ClinVar:

ClinVar aggregate classification (germline): Uncertain significance (1 of 4 stars; one submission).

Allele frequency attached by ClinVar (database versions not stated): gnomAD exomes below 0.00001; TOPMed 0.00001.

Submission:

Labcorp Genetics (formerly Invitae), Labcorp
Classification: Uncertain significance. Last evaluated: 2022-04-17. Review status: criteria provided, single submitter. Criteria: Invitae Variant Classification Sherloc (09022015). Collection method: clinical testing. Allele origin: germline.
Comment: In summary, the available evidence is currently insufficient to determine the role of this variant in disease. Therefore, it has been classified as a Variant of Uncertain Significance. Algorithms developed to predict the effect of sequence changes on RNA splicing suggest that this variant may create or strengthen a splice site. This variant has not been reported in the literature in individuals affected with NT5C3A-related conditions. This variant is present in population databases (no rsID available, gnomAD 0.003%). This sequence change falls in intron 8 of the NT5C3A gene. It does not directly change the encoded amino acid sequence of the NT5C3A protein.

NM_001002010.5(NT5C3A):c.694-17del

Gene: NT5C3A (5'-nucleotidase, cytosolic IIIA; minus strand). Cytogenetic location: 7p14.3.
Variant type: Deletion.
Coding change: c.694-17del on transcript NM_001002010.5 (MANE Select); 17 bases into the intron before coding-DNA position 694, one base deleted (A; older notation c.694-17delA).
Molecular consequence: intron variant.
Genome position (GRCh38, 1-based): chr7:33,015,887, T deleted on the plus strand (A on the coding strand, the reverse complement: NT5C3A is on the minus strand). VCF-style (leftmost placement, unchanged base first): chr7-33015886-AT-A. GRCh37 (hg19) VCF-style: chr7-33055498-AT-A.
Other names: c.595-17del (NM_001374335.1); c.694-1056del (NM_001374338.1); c.493-17del (NM_001374339.1); c.592-17del (NM_001002009.3, NM_016489.14); c.556-17del (NM_001374336.1, NM_001374337.1, NM_001166118.3 and 1 more transcripts).
Identifiers: ClinVar variation 1950948 (VCV001950948.5), dbSNP rs1318711173, ClinGen allele CA573761150.